The following is an entry in ClinVar:

NM_005751.5(AKAP9):c.10291C>T (p.Leu3431Phe)

Gene: AKAP9 (A-kinase anchoring protein 9; plus strand). Cytogenetic location: 7q21.2.
Variant type: single nucleotide variant.
Coding change: c.10291C>T on transcript NM_005751.5 (MANE Select); coding-DNA position 10291, C replaced by T.
Protein change: p.Leu3431Phe; replaces leucine 3431 with phenylalanine.
Molecular consequence: missense variant.
Genome position (GRCh38, 1-based): chr7:92,097,250, C>T. VCF-style: chr7-92097250-C-T. GRCh37 (hg19) VCF-style: chr7-91726564-C-T.
Other names: c.4936C>T, p.Leu1646Phe (NM_001379277.1); c.10267C>T, p.Leu3423Phe (NM_147185.3); c.10291C>T (NM_005751.4); short protein forms L1646F, L3423F, L3431F.
Identifiers: ClinVar variation 1051472 (VCV001051472.10), dbSNP rs761824694, ClinGen allele CA4337918.

ClinVar aggregate classification (germline): Conflicting classifications of pathogenicity. Review status: criteria provided, conflicting classifications (1 of 4 stars). 2 submissions from 2 submitters: Uncertain significance (1); Likely benign (1). Last evaluated 2024-06-27.

Conditions:
Cardiovascular phenotype. Identifiers: MedGen CN230736.
Long QT syndrome (LQTS). Identifiers: MedGen C0023976, MeSH D008133, MONDO:0002442. Disease mechanism: loss of function. Inheritance: Various modes of inheritance.

Allele frequency attached by ClinVar (database versions not stated): gnomAD exomes below 0.00001; gnomAD 0.00001.
gnomAD v4.1: 4 of 1,613,716 alleles (0.00025%); highest among the groups gnomAD compares: South Asian, 0.0022%; no homozygotes.

Submissions (2):

Ambry Genetics
Classification: Likely benign for Cardiovascular phenotype. Last evaluated: 2024-06-27. Review status: criteria provided, single submitter. Criteria: Ambry Variant Classification Scheme 2023. Collection method: clinical testing. Allele origin: germline.

Labcorp Genetics (formerly Invitae), Labcorp
Classification: Uncertain significance for Long QT syndrome. Last evaluated: 2020-03-07. Review status: criteria provided, single submitter. Criteria: Invitae Variant Classification Sherloc (09022015). Collection method: clinical testing. Allele origin: germline.
Comment: This variant has not been reported in the literature in individuals with AKAP9-related conditions. Algorithms developed to predict the effect of missense changes on protein structure and function are either unavailable or do not agree on the potential impact of this missense change (SIFT: "Tolerated"; PolyPhen-2: "Probably Damaging"; Align-GVGD: "Class C0"). In summary, the available evidence is currently insufficient to determine the role of this variant in disease. Therefore, it has been classified as a Variant of Uncertain Significance. This variant is present in population databases (rs761824694, ExAC 0.006%). This sequence change replaces leucine with phenylalanine at codon 3431 of the AKAP9 protein (p.Leu3431Phe). The leucine residue is moderately conserved and there is a small physicochemical difference between leucine and phenylalanine.